The following is an entry in ClinVar:

ClinVar aggregate classification (germline): Uncertain significance (1 of 4 stars; one submission).

Conditions:
Epilepsy, familial focal, with variable foci 3 (FFEVF3). Identifiers: MedGen C4310708, MONDO:0014925, OMIM 617118.

Submission:

Labcorp Genetics (formerly Invitae), Labcorp
Classification: Uncertain significance for Epilepsy, familial focal, with variable foci 3. Last evaluated: 2022-02-08. Review status: criteria provided, single submitter. Criteria: Invitae Variant Classification Sherloc (09022015). Collection method: clinical testing. Allele origin: germline.
Comment: This sequence change replaces threonine, which is neutral and polar, with alanine, which is neutral and non-polar, at codon 151 of the NPRL3 protein (p.Thr151Ala). This variant is not present in population databases (gnomAD no frequency). This variant has not been reported in the literature in individuals affected with NPRL3-related conditions. ClinVar contains an entry for this variant (Variation ID: 1006236). Experimental studies and prediction algorithms are not available or were not evaluated, and the functional significance of this variant is currently unknown. In summary, the available evidence is currently insufficient to determine the role of this variant in disease. Therefore, it has been classified as a Variant of Uncertain Significance.

NM_001077350.3(NPRL3):c.451A>G (p.Thr151Ala)

Genes: HBA-LCR (alpha-globin locus control region; plus strand), NPRL3 (NPR3 like, GATOR1 complex subunit; minus strand). Cytogenetic location: 16p13.3.
Variant type: single nucleotide variant.
Coding change: c.451A>G on transcript NM_001077350.3 (MANE Select); coding-DNA position 451, A replaced by G.
Protein change: p.Thr151Ala; replaces threonine 151 with alanine.
Molecular consequence: missense variant. On other transcripts: 5 prime UTR variant (1).
Genome position (GRCh38, 1-based): chr16:112,718, T>C on the plus strand (A>G on the coding strand, the complement: NPRL3 is on the minus strand). VCF-style: chr16-112718-T-C. GRCh37 (hg19) VCF-style: chr16-162717-T-C.
Other names: c.-87A>G (NM_001039476.3); c.217A>G, p.Thr73Ala (NM_001243247.2); c.376A>G, p.Thr126Ala (NM_001243248.2, NM_001243249.2); short protein forms T126A, T151A, T73A.
Identifiers: ClinVar variation 1006236 (VCV001006236.8), dbSNP rs1899870989, ClinGen allele CA393993966.